The following is an entry in ClinVar:

ClinVar aggregate classification (germline): Uncertain significance (1 of 4 stars; one submission).

Conditions:
Cataract 23 (CTRCT23). Also called: Cataract 23, multiple types; CATARACT 23, LAMELLAR. Identifiers: Orphanet 91492, MedGen C3808012, MONDO:0012489, OMIM 610425.

Submission:

Juno Genomics, Hangzhou Juno Genomics, Inc
Classification: Uncertain significance for Cataract 23. Review status: criteria provided, single submitter. Criteria: ACMG Guidelines, 2015. Collection method: clinical testing. Allele origin: germline. Affected: yes.
Comment: Absent from controls (or at extremely low frequency if recessive) in Genome Aggregation Database, Exome Sequencing Project, 1000 Genomes Project, or Exome Aggregation Consortium.;Multiple lines of computational evidence support a deleterious effect on the gene or gene product (conservation, evolutionary, splicing impact, etc).;The prevalence of the variant in affected individuals is significantly increased compared to the prevalence in controls.;Patient's phenotype or family history is highly specific for a disease with a single genetic etiology.

NM_001886.3(CRYBA4):c.169T>C (p.Phe57Leu)

Gene: CRYBA4 (crystallin beta A4; plus strand). Cytogenetic location: 22q12.1.
Variant type: single nucleotide variant.
Coding change: c.169T>C on transcript NM_001886.3 (MANE Select); coding-DNA position 169, T replaced by C.
Protein change: p.Phe57Leu; replaces phenylalanine 57 with leucine.
Molecular consequence: missense variant.
Genome position (GRCh38, 1-based): chr22:26,625,491, T>C. VCF-style: chr22-26625491-T-C. GRCh37 (hg19) VCF-style: chr22-27021455-T-C.
Other names: short protein forms F57L.
Identifiers: ClinVar variation 3381932 (VCV003381932.2).